The following is an entry in ClinVar:

NM_080425.4(GNAS):c.1211C>G (p.Ser404Cys)

Gene: GNAS (GNAS complex locus; plus strand). Cytogenetic location: 20q13.32.
Variant type: single nucleotide variant.
Coding change: c.1211C>G on transcript NM_080425.4 (MANE Plus Clinical); coding-DNA position 1211, C replaced by G.
Protein change: p.Ser404Cys; replaces serine 404 with cysteine.
Molecular consequence: missense variant. On other transcripts: intron variant (3).
Genome position (GRCh38, 1-based): chr20:58,854,476, C>G. VCF-style: chr20-58854476-C-G. GRCh37 (hg19) VCF-style: chr20-57429531-C-G.
Other names: c.1024C>G, p.Pro342Ala (NM_001077490.3, NM_001309883.1); c.1211C>G, p.Ser404Cys (NM_001410913.1); c.*42+13590C>G (NM_016592.5); c.43+13590C>G (NM_001410912.1); c.-39+12601C>G (NM_001309861.2); short protein forms P342A, S404C.
Identifiers: ClinVar variation 3361036 (VCV003361036.1).
Genomic context (GRCh38, chr20:58,854,476, plus strand): 5'-GGGCAGCCTCAGCGGATACCGCTGCCAGGGCAGCCCCTGCAGCCCCAGCCGATCCTGACT[C>G]CGGGGCAACCCCAGAAGATCCCGACTCCGGGACAGCACCAGCCGATCCTGACTCCGGGGC-3'
Protein context (NP_536350.2, residues 394-414): AAPAAPADPD[Ser404Cys]GATPEDPDSG

ClinVar aggregate classification (germline): Uncertain significance (1 of 4 stars; one submission).

Submission:

GeneDx
Classification: Uncertain significance. Last evaluated: 2023-07-10. Review status: criteria provided, single submitter. Criteria: GeneDx Variant Classification Process June 2021. Collection method: clinical testing. Allele origin: germline. Affected: yes.
Comment: Not observed at significant frequency in large population cohorts (gnomAD); In silico analysis supports that this missense variant has a deleterious effect on protein structure/function; Reported using an alternate transcript of the gene; Has not been previously published as pathogenic or benign to our knowledge